The following is an entry in ClinVar:

GRCh37/hg19 7q22.1(chr7:101538944-101737627)x1

Gene: CUX1 (cut like homeobox 1; plus strand). Cytogenetic location: 7q22.1.
Variant type: copy number loss.
Change: copy number 1 (one copy instead of two) of chr7:101,538,944-101,737,627 (198.7 kb, GRCh37 coordinates, 1-based), cytogenetic band 7q22.1.
Identifiers: ClinVar variation 3391832 (VCV003391832.1).

ClinVar aggregate classification (germline): Likely pathogenic (1 of 4 stars; one submission).

Submission:

Quest Diagnostics Nichols Institute San Juan Capistrano
Classification: Likely pathogenic. Last evaluated: 2024-02-19. Review status: criteria provided, single submitter. Criteria: ACMG/ClinGen CNV Guidelines, 2019. Collection method: clinical testing. Allele origin: unknown.
Comment: This loss involves multiple exons (NM_001202543.2) of an intragenic portion of CUX1 (OMIM 116896). Haploinsufficiency of CUX1 has been reported in association with global developmental delay with or without impaired intellectual development (OMIM 618330, Oppermann 2023, Platzer 2018) and in individuals with congenital heart defects (Firth 2009, Giannakou 2017, Morton 2021, Platzer 2018). There are approximately two intragenic copy number losses involving CUX1 in the general populations of the Database of Genomic Variants. Thus, this copy number variant (CNV) is classified as likely pathogenic. References: Firth et al., Am J Hum Genet. 2009 Apr;84(4):524-33. PMID: 19344873; Giannakou et al., PLoS One. 2017 Dec 7;12(12):e0188168. PMID: 29216221; Morton et al., JAMA Cardiol. 2021 Apr 1;6(4):457-462. PMID: 33084842; Oppermann et al., Eur J Hum Genet. 2023 Nov;31(11):1251-1260. PMID: 37644171; Platzer et al., Ann Neurol. 2018 Aug;84(2):200-207. PMID: 30014507